The following is an entry in ClinVar:

ClinVar aggregate classification (germline): Uncertain significance (1 of 4 stars; one submission).

Submission:

GeneDx
Classification: Uncertain significance. Last evaluated: 2016-01-04. Review status: criteria provided, single submitter. Criteria: GeneDx Variant Classification (06012015). Collection method: clinical testing. Allele origin: germline. Affected: yes.
Comment: The L720P variant in the CASK gene has not been reported previously as a pathogenic variant, nor as a benign variant, to our knowledge. The L720P variant was not observed in approximately 6,500 individuals of European and African American ancestry in the NHLBI Exome Sequencing Project, indicating it is not a common benign variant in these populations. The L720P variant is a semi-conservative amino acid substitution, which may impact secondary protein structure as these residues differ in some properties. This substitution occurs at a position that is conserved across species. In silico analysis predicts this variant is probably damaging to the protein structure/function. A missense variant in a nearby residue (Y723C) has been reported in the Human Gene Mutation Database in association with CASK-related disorder (Stenson et al., 2014), supporting the functional importance of this region of the protein. We interpret L720P as a variant of uncertain significance

NM_001367721.1(CASK):c.2174T>C (p.Leu725Pro)

Gene: CASK (calcium/calmodulin dependent serine protein kinase; minus strand). Cytogenetic location: Xp11.4.
Variant type: single nucleotide variant.
Coding change: c.2174T>C on transcript NM_001367721.1 (MANE Select); coding-DNA position 2174, T replaced by C.
Protein change: p.Leu725Pro; replaces leucine 725 with proline.
Molecular consequence: missense variant.
Genome position (GRCh38, 1-based): chrX:41,534,955, A>G on the plus strand (T>C on the coding strand, the complement: CASK is on the minus strand). VCF-style: chrX-41534955-A-G. GRCh37 (hg19) VCF-style: chrX-41394208-A-G.
Other names: c.2090T>C, p.Leu697Pro (NM_001126054.3); c.2087T>C, p.Leu696Pro (NM_001126055.3); c.2156T>C, p.Leu719Pro (NM_001410745.1); c.2159T>C, p.Leu720Pro (NM_003688.4); short protein forms L720P, L696P, L697P, L725P, L719P.
Identifiers: ClinVar variation 420343 (VCV000420343.2), dbSNP rs1064794425, ClinGen allele CA16621398.